The following is an entry in ClinVar:

NM_004204.5(PIGQ):c.74C>T (p.Pro25Leu)

Gene: PIGQ (phosphatidylinositol glycan anchor biosynthesis class Q; plus strand). Cytogenetic location: 16p13.3.
Variant type: single nucleotide variant.
Coding change: c.74C>T on transcript NM_004204.5 (MANE Select); coding-DNA position 74, C replaced by T.
Protein change: p.Pro25Leu; replaces proline 25 with leucine.
Molecular consequence: missense variant.
Genome position (GRCh38, 1-based): chr16:574,148, C>T. VCF-style: chr16-574148-C-T. GRCh37 (hg19) VCF-style: chr16-624148-C-T.
Other names: c.74C>T, p.Pro25Leu (NM_148920.4); short protein forms P25L.
Identifiers: ClinVar variation 567792 (VCV000567792.7), dbSNP rs531991910, ClinGen allele CA7779775.
Genomic context (GRCh38, chr16:574,148, plus strand): 5'-CCTTCTTCCCCACGTGCTGCGTCTCGACGGACAGCGGGCTGCTGGTGGGACGGTGGGTGC[C>T]GGAGCAGAGCAGCGCCGTGGTCCTGGCGGTCCTGCACTTTCCCTTCATCCCCATCCAGGT-3'
Protein context (NP_004195.2, residues 15-35): DSGLLVGRWV[Pro25Leu]EQSSAVVLAV

ClinVar aggregate classification (germline): Uncertain significance (1 of 4 stars; one submission).

Conditions:
Epilepsy. Also called: Seizure disorder. Identifiers: MedGen C0014544, MeSH D004827, MONDO:0005027.

Allele frequency attached by ClinVar (database versions not stated): gnomAD 0.00001; TOPMed 0.00002; ExAC 0.00003; gnomAD exomes 0.00003 and 0.00004; 1000 Genomes Project 0.00020; 1000 Genomes Project 30x 0.00031.
gnomAD v4.1: 50 of 1,612,294 alleles (0.0031%); highest among the groups gnomAD compares: South Asian, 0.0088%; no homozygotes.

Submission:

Labcorp Genetics (formerly Invitae), Labcorp
Classification: Uncertain significance for Epilepsy. Last evaluated: 2020-11-27. Review status: criteria provided, single submitter. Criteria: Invitae Variant Classification Sherloc (09022015). Collection method: clinical testing. Allele origin: germline.
Comment: This variant has not been reported in the literature in individuals with PIGQ-related disease. In summary, the available evidence is currently insufficient to determine the role of this variant in disease. Therefore, it has been classified as a Variant of Uncertain Significance. Algorithms developed to predict the effect of missense changes on protein structure and function (SIFT, PolyPhen-2, Align-GVGD) all suggest that this variant is likely to be tolerated, but these predictions have not been confirmed by published functional studies and their clinical significance is uncertain. This variant is present in population databases (rs531991910, ExAC 0.01%). This sequence change replaces proline with leucine at codon 25 of the PIGQ protein (p.Pro25Leu). The proline residue is moderately conserved and there is a moderate physicochemical difference between proline and leucine.